The following is an entry in ClinVar:

ClinVar aggregate classification (germline): Benign (1 of 4 stars; one submission).

Allele frequency attached by ClinVar (database versions not stated): 1000 Genomes Project 0.42033; 1000 Genomes Project 30x 0.42364; gnomAD 0.48030 and 0.48289; TOPMed 0.48115.
gnomAD v4.1: 73,136 of 152,044 alleles (48%); highest among the groups gnomAD compares: Admixed American, 61%; 18,491 homozygotes.

Submission:

GeneDx
Classification: Benign. Last evaluated: 2020-07-15. Review status: criteria provided, single submitter. Criteria: GeneDx Variant Classification Process June 2021. Collection method: clinical testing. Allele origin: germline. Affected: yes.
Comment: This variant is associated with the following publications: (PMID: 24223725)

NM_001377530.1(DMBT1):c.283+378G>A

Gene: DMBT1 (deleted in malignant brain tumors 1; plus strand). Cytogenetic location: 10q26.13.
Variant type: single nucleotide variant.
Coding change: c.283+378G>A on transcript NM_001377530.1 (MANE Select); 378 bases into the intron after coding-DNA position 283, G replaced by A.
Molecular consequence: intron variant.
Genome position (GRCh38, 1-based): chr10:122,574,140, G>A. VCF-style: chr10-122574140-G-A. GRCh37 (hg19) VCF-style: chr10-124333656-G-A.
Other names: c.283+378G>A (NM_007329.3, NM_001320644.2, NM_004406.3 and 1 more transcripts).
Identifiers: ClinVar variation 1225238 (VCV001225238.3), dbSNP rs2981804, ClinGen allele CA13206811.